The following is an entry in ClinVar:

ClinVar aggregate classification (germline): Uncertain significance (1 of 4 stars; one submission).

Conditions:
Congenital contractural arachnodactyly (CCA). Also called: Arthrogryposis, distal, type 9; BEALS SYNDROME; Beals-Hecht syndrome. Identifiers: Orphanet 115, MedGen C0220668, MONDO:0007363, OMIM 121050.

Submission:

Labcorp Genetics (formerly Invitae), Labcorp
Classification: Uncertain significance for Congenital contractural arachnodactyly. Last evaluated: 2024-06-24. Review status: criteria provided, single submitter. Criteria: Invitae Variant Classification Sherloc (09022015). Collection method: clinical testing. Allele origin: germline.
Comment: This sequence change replaces phenylalanine, which is neutral and non-polar, with valine, which is neutral and non-polar, at codon 680 of the FBN2 protein (p.Phe680Val). This variant is not present in population databases (gnomAD no frequency). This variant has not been reported in the literature in individuals affected with FBN2-related conditions. Advanced modeling of protein sequence and biophysical properties (such as structural, functional, and spatial information, amino acid conservation, physicochemical variation, residue mobility, and thermodynamic stability) performed at Invitae indicates that this missense variant is expected to disrupt FBN2 protein function with a positive predictive value of 80%. In summary, the available evidence is currently insufficient to determine the role of this variant in disease. Therefore, it has been classified as a Variant of Uncertain Significance.

NM_001999.4(FBN2):c.2038T>G (p.Phe680Val)

Gene: FBN2 (fibrillin 2; minus strand). Cytogenetic location: 5q23.3.
Variant type: single nucleotide variant.
Coding change: c.2038T>G on transcript NM_001999.4 (MANE Select); coding-DNA position 2038, T replaced by G.
Protein change: p.Phe680Val; replaces phenylalanine 680 with valine.
Molecular consequence: missense variant.
Genome position (GRCh38, 1-based): chr5:128,374,685, A>C on the plus strand (T>G on the coding strand, the complement: FBN2 is on the minus strand). VCF-style: chr5-128374685-A-C. GRCh37 (hg19) VCF-style: chr5-127710378-A-C.
Other names: short protein forms F680V.
Identifiers: ClinVar variation 3613352 (VCV003613352.2).
Genomic context (GRCh38, chr5:128,374,685, plus strand): 5'-TACCAACACACACACGTCCATCCATGCCCACAGCCAGGCCTGGGGGACAGTCACAGCGGA[A>C]GGACCCTTCACTGTTGATGCAGTGCCCATTCATGCAGATTCCTGGGGTCTGGCATTCATC-3'
Protein context (NP_001990.2, residues 670-690): NGHCINSEGS[Phe680Val]RCDCPPGLAV